The following is an entry in ClinVar:

NM_004100.5(EYA4):c.991A>C (p.Ser331Arg)

Gene: EYA4 (EYA transcriptional coactivator and phosphatase 4; plus strand). Cytogenetic location: 6q23.2.
Variant type: single nucleotide variant.
Coding change: c.991A>C on transcript NM_004100.5 (MANE Select); coding-DNA position 991, A replaced by C.
Protein change: p.Ser331Arg; replaces serine 331 with arginine.
Molecular consequence: missense variant.
Genome position (GRCh38, 1-based): chr6:133,481,483, A>C. VCF-style: chr6-133481483-A-C. GRCh37 (hg19) VCF-style: chr6-133802621-A-C.
Other names: c.829A>C, p.Ser277Arg (NM_001301012.2); c.1009A>C, p.Ser337Arg (NM_001301013.2); c.922A>C, p.Ser308Arg (NM_001370458.1, NM_172103.4); c.847A>C, p.Ser283Arg (NM_001370459.1); c.991A>C, p.Ser331Arg (NM_172105.4); short protein forms S277R, S308R, S283R, S331R, S337R.
Identifiers: ClinVar variation 2625465 (VCV002625465.2), dbSNP rs2534855734, ClinGen allele CA365706341.

ClinVar aggregate classification (germline): Uncertain significance (1 of 4 stars; one submission).

Conditions:
Cardiovascular phenotype. Identifiers: MedGen CN230736.

Allele frequency attached by ClinVar (database versions not stated): gnomAD exomes below 0.00001.
gnomAD v4.1: 2 of 1,613,932 alleles (0.00012%); highest among the groups gnomAD compares: South Asian, 0.0022%; no homozygotes.

Submission:

Ambry Genetics
Classification: Uncertain significance for Cardiovascular phenotype. Last evaluated: 2023-07-12. Review status: criteria provided, single submitter. Criteria: Ambry Variant Classification Scheme 2023. Collection method: clinical testing. Allele origin: germline.
Comment: The p.S331R variant (also known as c.991A>C), located in coding exon 11 of the EYA4 gene, results from an A to C substitution at nucleotide position 991. The serine at codon 331 is replaced by arginine, an amino acid with dissimilar properties. This amino acid position is conserved. In addition, this alteration is predicted to be deleterious by in silico analysis. Since supporting evidence is limited at this time, the clinical significance of this alteration remains unclear.